The following is an entry in ClinVar:

NM_000236.3(LIPC):c.837C>T (p.His279=)

Gene: LIPC (lipase C, hepatic type; plus strand). Cytogenetic location: 15q21.3.
Variant type: single nucleotide variant.
Coding change: c.837C>T on transcript NM_000236.3 (MANE Select); coding-DNA position 837, C replaced by T.
Protein change: p.His279=; no amino-acid change (histidine 279 retained).
Molecular consequence: synonymous variant.
Genome position (GRCh38, 1-based): chr15:58,548,358, C>T. VCF-style: chr15-58548358-C-T. GRCh37 (hg19) VCF-style: chr15-58840557-C-T.
Identifiers: ClinVar variation 886008 (VCV000886008.13), dbSNP rs146299102, ClinGen allele CA7585019.

ClinVar aggregate classification (germline): Benign/Likely benign. Review status: criteria provided, multiple submitters, no conflicts (2 of 4 stars). 4 submissions from 4 submitters: Benign (2); Likely benign (2). Last evaluated 2026-01-05.

Conditions:
Hyperlipidemia due to hepatic triglyceride lipase deficiency. Also called: LIPC DEFICIENCY. Identifiers: Orphanet 140905, MedGen C3151466, MONDO:0013533, OMIM 614025.

Allele frequency attached by ClinVar (database versions not stated): gnomAD exomes 0.00098; ExAC 0.00126; 1000 Genomes Project 0.00379; gnomAD 0.00413 and 0.00443; 1000 Genomes Project 30x 0.00453; TOPMed 0.00471; ESP Exome Variant Server 0.00532.
gnomAD v4.1: 1,291 of 1,614,134 alleles (0.08%); highest among the groups gnomAD compares: African/African-American, 1.5%; 12 homozygotes.

Submissions (4):

Labcorp Genetics (formerly Invitae), Labcorp
Classification: Benign. Last evaluated: 2026-01-05. Review status: criteria provided, single submitter. Criteria: Invitae Variant Classification Sherloc (09022015). Collection method: clinical testing. Allele origin: germline.

GeneDx
Classification: Likely benign. Last evaluated: 2020-12-10. Review status: criteria provided, single submitter. Criteria: GeneDx Variant Classification Process June 2021. Collection method: clinical testing. Allele origin: germline. Affected: yes.

Illumina Laboratory Services, Illumina
Classification: Benign for Hyperlipidemia due to hepatic triglyceride lipase deficiency. Last evaluated: 2017-04-27. Review status: criteria provided, single submitter. Criteria: ICSL Variant Classification Criteria 13 December 2019. Collection method: clinical testing. Allele origin: germline.
Comment: This variant was observed as part of a predisposition screen in an ostensibly healthy population. A literature search was performed for the gene, cDNA change, and amino acid change (where applicable). No publications were found based on this search. Allele frequency data from public databases was too high to be consistent with this variant causing disease. Therefore, this variant is classified as benign.

Breakthrough Genomics
Classification: Likely benign. Review status: criteria provided, single submitter. Criteria: ACMG Guidelines, 2015. Collection method: not provided. Allele origin: germline. Inheritance: Autosomal recessive inheritance. Affected: yes.